The following is an entry in ClinVar:

ClinVar aggregate classification (germline): Uncertain significance (1 of 4 stars; one submission).

Conditions:
Diamond-Blackfan anemia 10 (DBA10). Also called: RPS26-Related Diamond-Blackfan Anemia. Identifiers: Orphanet 124, MedGen C2750080, MONDO:0013217, OMIM 613309.

Submission:

Labcorp Genetics (formerly Invitae), Labcorp
Classification: Uncertain significance for Diamond-Blackfan anemia 10. Last evaluated: 2022-12-23. Review status: criteria provided, single submitter. Criteria: Invitae Variant Classification Sherloc (09022015). Collection method: clinical testing. Allele origin: germline.
Comment: This sequence change falls in intron 1 of the RPS26 gene. It does not directly change the encoded amino acid sequence of the RPS26 protein. Information on the frequency of this variant in the gnomAD database is not available, as this variant may be reported differently in the database. This variant has not been reported in the literature in individuals affected with RPS26-related conditions. Experimental studies and prediction algorithms are not available or were not evaluated, and the effect of this variant on mRNA splicing is currently unknown. In summary, the available evidence is currently insufficient to determine the role of this variant in disease. Therefore, it has been classified as a Variant of Uncertain Significance.

NM_001029.5(RPS26):c.4-8_4-7delinsCT

Gene: RPS26 (ribosomal protein S26; plus strand). Cytogenetic location: 12q13.2.
Variant type: Indel.
Coding change: c.4-8_4-7delinsCT on transcript NM_001029.5 (MANE Select); 8 bases into the intron before coding-DNA position 4 through 7 bases into the intron before coding-DNA position 4, TG replaced by CT.
Molecular consequence: intron variant.
Genome position (GRCh38, 1-based): chr12:56,042,417-56,042,418, TG replaced by CT. VCF-style: chr12-56042417-TG-CT. GRCh37 (hg19) VCF-style: chr12-56436201-TG-CT.
Identifiers: ClinVar variation 2985700 (VCV002985700.3), dbSNP rs2540722753, ClinGen allele CA2740092393.